The following is an entry in ClinVar:

ClinVar aggregate classification (germline): Likely pathogenic (1 of 4 stars; one submission).

Conditions:
ETFDH-related disorder. Also called: ETFDH-related condition.

Submission:

PreventionGenetics, part of Exact Sciences
Classification: Likely pathogenic for ETFDH-related condition. Last evaluated: 2023-06-29. Review status: criteria provided, single submitter. Criteria: ACMG Guidelines, 2015. Collection method: clinical testing. Allele origin: germline.
Comment: The ETFDH c.151delC variant is predicted to result in a frameshift and premature protein termination (p.Arg51Glyfs*10). To our knowledge, this variant has not been reported in the literature or in a large population database, indicating this variant is rare. Frameshift variants in ETFDH are expected to be pathogenic. This variant is interpreted as likely pathogenic.

NM_004453.4(ETFDH):c.151del (p.Arg51fs)

Gene: ETFDH (electron transfer flavoprotein dehydrogenase; plus strand). Cytogenetic location: 4q32.1.
Variant type: Deletion.
Coding change: c.151del on transcript NM_004453.4 (MANE Select); coding-DNA position 151, one base deleted (C; older notation c.151delC).
Protein change: p.Arg51fs; shifts the reading frame from arginine 51.
Molecular consequence: frameshift variant. On other transcripts: intron variant (1).
Genome position (GRCh38, 1-based): chr4:158,680,583, C deleted; the last of 4 consecutive C bases (chr4:158,680,580-158,680,583); deleting any one gives the same sequence. VCF-style (leftmost placement, unchanged base first): chr4-158680579-TC-T. GRCh37 (hg19) VCF-style: chr4-159601731-TC-T.
Other names: c.35-1612del (NM_001281737.2); short protein forms R51fs.
Identifiers: ClinVar variation 2631586 (VCV002631586.1), dbSNP rs2479076294, ClinGen allele CA2695198553.